The following is an entry in ClinVar:

NM_030665.4(RAI1):c.4789C>T (p.Pro1597Ser)

Gene: RAI1 (retinoic acid induced 1; plus strand). Cytogenetic location: 17p11.2.
Variant type: single nucleotide variant.
Coding change: c.4789C>T on transcript NM_030665.4 (MANE Select); coding-DNA position 4789, C replaced by T.
Protein change: p.Pro1597Ser; replaces proline 1597 with serine.
Molecular consequence: missense variant.
Genome position (GRCh38, 1-based): chr17:17,797,737, C>T. VCF-style: chr17-17797737-C-T. GRCh37 (hg19) VCF-style: chr17-17701051-C-T.
Other names: short protein forms P1597S.
Identifiers: ClinVar variation 4982958 (VCV004982958.1).

ClinVar aggregate classification (germline): Uncertain significance (1 of 4 stars; one submission).

Conditions:
RAI1-related disorder. Also called: RAI1-related condition.

Submission:

PreventionGenetics, part of Exact Sciences
Classification: Uncertain significance for RAI1-related condition. Last evaluated: 2024-11-15. Review status: criteria provided, single submitter. Criteria: ACMG Guidelines, 2015. Collection method: clinical testing. Allele origin: germline.
Comment: The RAI1 c.4789C>T variant is predicted to result in the amino acid substitution p.Pro1597Ser. To our knowledge, this variant has not been reported in the literature or in a large population database (gnomAD), indicating this variant is rare. At this time, the clinical significance of this variant is uncertain due to the absence of conclusive functional and genetic evidence.